The following is an entry in ClinVar:

ClinVar aggregate classification (germline): Uncertain significance. Review status: criteria provided, multiple submitters, no conflicts (2 of 4 stars). 2 submissions from 2 submitters: Uncertain significance (2). Last evaluated 2025-07-27.

Conditions:
Bethlem myopathy 1A. Also called: Bethlem Muscular Dystrophy; MYOPATHY, BENIGN CONGENITAL, WITH CONTRACTURES; Bethlem myopathy 1. Identifiers: Orphanet 610, MedGen CN029274, MONDO:0024530, OMIM 158810.

Allele frequency attached by ClinVar (database versions not stated): gnomAD exomes 0.00002; TOPMed 0.00003; gnomAD 0.00004.
gnomAD v4.1: 22 of 1,553,208 alleles (0.0014%); highest among the groups gnomAD compares: African/African-American, 0.0054%; no homozygotes.

Submissions (2):

Labcorp Genetics (formerly Invitae), Labcorp
Classification: Uncertain significance for Bethlem myopathy 1A. Last evaluated: 2025-07-27. Review status: criteria provided, single submitter. Criteria: Invitae Variant Classification Sherloc (09022015). Collection method: clinical testing. Allele origin: germline.
Comment: This sequence change replaces aspartic acid, which is acidic and polar, with asparagine, which is neutral and polar, at codon 558 of the COL6A1 protein (p.Asp558Asn). The frequency data for this variant in the population databases is considered unreliable, as metrics indicate poor data quality at this position in the gnomAD database. This variant has not been reported in the literature in individuals affected with COL6A1-related conditions. ClinVar contains an entry for this variant (Variation ID: 940794). An algorithm developed to predict the effect of missense changes on protein structure and function (PolyPhen-2) suggests that this variant is likely to be tolerated. In summary, the available evidence is currently insufficient to determine the role of this variant in disease. Therefore, it has been classified as a Variant of Uncertain Significance.

Women's Health and Genetics/Laboratory Corporation of America, LabCorp
Classification: Uncertain significance. Last evaluated: 2024-03-14. Review status: criteria provided, single submitter. Criteria: LabCorp Variant Classification Summary - May 2015. Collection method: clinical testing. Allele origin: germline.
Comment: Variant summary: COL6A1 c.1672G>A (p.Asp558Asn) results in a conservative amino acid change in the encoded protein sequence. Three of five in-silico tools predict a damaging effect of the variant on protein function. Consensus agreement among computation tools predict no significant impact on normal splicing. However, these predictions have yet to be confirmed by functional studies. The variant allele was found at a frequency of 1.9e-05 in 158498 control chromosomes (gnomAD). The available data on variant occurrences in the general population are insufficient to allow any conclusion about variant significance. To our knowledge, no occurrence of c.1672G>A in individuals affected with Collagen Type VI-Related Disorders and no experimental evidence demonstrating its impact on protein function have been reported. ClinVar contains an entry for this variant (Variation ID: 940794). Based on the evidence outlined above, the variant was classified as uncertain significance.

NM_001848.3(COL6A1):c.1672G>A (p.Asp558Asn)

Gene: COL6A1 (collagen type VI alpha 1 chain; plus strand). Cytogenetic location: 21q22.3.
Variant type: single nucleotide variant.
Coding change: c.1672G>A on transcript NM_001848.3 (MANE Select); coding-DNA position 1672, G replaced by A.
Protein change: p.Asp558Asn; replaces aspartic acid 558 with asparagine.
Molecular consequence: missense variant.
Genome position (GRCh38, 1-based): chr21:45,998,957, G>A. VCF-style: chr21-45998957-G-A. GRCh37 (hg19) VCF-style: chr21-47418871-G-A.
Other names: short protein forms D558N.
Identifiers: ClinVar variation 940794 (VCV000940794.12), dbSNP rs1372696070, ClinGen allele CA410530651.